The following is an entry in ClinVar:

NM_004484.4(GPC3):c.596G>A (p.Arg199Gln)

Gene: GPC3 (glypican 3; minus strand). Cytogenetic location: Xq26.2.
Variant type: single nucleotide variant.
Coding change: c.596G>A on transcript NM_004484.4 (MANE Select); coding-DNA position 596, G replaced by A.
Protein change: p.Arg199Gln; replaces arginine 199 with glutamine.
Molecular consequence: missense variant.
Genome position (GRCh38, 1-based): chrX:133,753,918, C>T on the plus strand (G>A on the coding strand, the complement: GPC3 is on the minus strand). VCF-style: chrX-133753918-C-T. GRCh37 (hg19) VCF-style: chrX-132887945-C-T.
Other names: c.596G>A, p.Arg199Gln (NM_001164617.2); c.548G>A, p.Arg183Gln (NM_001164618.2); c.434G>A, p.Arg145Gln (NM_001164619.2); short protein forms R199Q, R183Q, R145Q.
Identifiers: ClinVar variation 958110 (VCV000958110.6), dbSNP rs1389517208, ClinGen allele CA414706274.

ClinVar aggregate classification (germline): Uncertain significance (1 of 4 stars; one submission).

Conditions:
Wilms tumor 1 (WT1). Also called: Wilms tumor, somatic. Identifiers: Orphanet 654, MedGen CN033288, MONDO:0008679, OMIM 194070.

Allele frequency attached by ClinVar (database versions not stated): gnomAD 0.00001; gnomAD exomes 0.00001; TOPMed 0.00001.
gnomAD v4.1: 7 of 1,209,690 alleles (0.00058%); highest among the groups gnomAD compares: African/African-American, 0.0018%; no homozygotes.

Submission:

Labcorp Genetics (formerly Invitae), Labcorp
Classification: Uncertain significance for Wilms tumor 1. Last evaluated: 2024-03-07. Review status: criteria provided, single submitter. Criteria: Invitae Variant Classification Sherloc (09022015). Collection method: clinical testing. Allele origin: germline.
Comment: This sequence change replaces arginine, which is basic and polar, with glutamine, which is neutral and polar, at codon 199 of the GPC3 protein (p.Arg199Gln). This variant is not present in population databases (gnomAD no frequency). This variant has not been reported in the literature in individuals affected with GPC3-related conditions. ClinVar contains an entry for this variant (Variation ID: 958110). Advanced modeling of protein sequence and biophysical properties (such as structural, functional, and spatial information, amino acid conservation, physicochemical variation, residue mobility, and thermodynamic stability) has been performed at Invitae for this missense variant, however the output from this modeling did not meet the statistical confidence thresholds required to predict the impact of this variant on GPC3 protein function. In summary, the available evidence is currently insufficient to determine the role of this variant in disease. Therefore, it has been classified as a Variant of Uncertain Significance.